The following is an entry in ClinVar:

ClinVar aggregate classification (germline): Conflicting classifications of pathogenicity. Review status: criteria provided, conflicting classifications (1 of 4 stars). 4 submissions from 4 submitters: Uncertain significance (1); Likely benign (3). Last evaluated 2025-12-08.

Allele frequency attached by ClinVar (database versions not stated): gnomAD exomes 0.00001 and 0.00002; gnomAD 0.00002; TOPMed 0.00002.
gnomAD v4.1: 31 of 1,613,716 alleles (0.0019%); highest among the groups gnomAD compares: African/African-American, 0.004%; no homozygotes.

Submissions (4):

Labcorp Genetics (formerly Invitae), Labcorp
Classification: Likely benign. Last evaluated: 2025-12-08. Review status: criteria provided, single submitter. Criteria: Invitae Variant Classification Sherloc (09022015). Collection method: clinical testing. Allele origin: germline.

Blueprint Genetics
Classification: Likely benign. Last evaluated: 2024-02-07. Review status: criteria provided, single submitter. Criteria: ACMG Guidelines, 2015. Collection method: clinical testing. Allele origin: germline.

CeGaT Center for Human Genetics Tuebingen
Classification: Likely benign. Last evaluated: 2023-03-01. Review status: criteria provided, single submitter. Criteria: CeGaT Center For Human Genetics Tuebingen Variant Classification Criteria Version 2. Collection method: clinical testing. Allele origin: germline. Affected: yes. Observed: 1 variant allele.
Comment: MYO7A: BP4, BP7

Eurofins Ntd Llc (ga)
Classification: Uncertain significance. Last evaluated: 2017-03-31. Review status: criteria provided, single submitter. Criteria: EGL Classification Definitions 2015. Collection method: clinical testing. Allele origin: germline. Observed: 1 variant allele, 1 heterozygote.

NM_000260.4(MYO7A):c.5004C>T (p.Tyr1668=)

Gene: MYO7A (myosin VIIA; plus strand). Cytogenetic location: 11q13.5.
Variant type: single nucleotide variant.
Coding change: c.5004C>T on transcript NM_000260.4 (MANE Select); coding-DNA position 5004, C replaced by T.
Protein change: p.Tyr1668=; no amino-acid change (tyrosine 1668 retained).
Molecular consequence: synonymous variant.
Genome position (GRCh38, 1-based): chr11:77,201,599, C>T. VCF-style: chr11-77201599-C-T. GRCh37 (hg19) VCF-style: chr11-76912644-C-T.
Other names: c.4890C>T, p.Tyr1630= (NM_001127180.2); c.4857C>T, p.Tyr1619= (NM_001369365.1).
Identifiers: ClinVar variation 501257 (VCV000501257.41), dbSNP rs1479835169, ClinGen allele CA475796768.